The following is an entry in ClinVar:

ClinVar aggregate classification (germline): Uncertain significance (1 of 4 stars; one submission).

Conditions:
Familial thoracic aortic aneurysm and aortic dissection (TAAD). Also called: Thoracic aortic aneurysms and dissections. Identifiers: Orphanet 91387, MedGen C4707243, MONDO:0019625.

Submission:

Ambry Genetics
Classification: Uncertain significance for Familial thoracic aortic aneurysm and aortic dissection. Last evaluated: 2026-07-31. Review status: criteria provided, single submitter. Criteria: Ambry Variant Classification Scheme 2023. Collection method: clinical testing. Allele origin: germline.
Comment: The p.E1888K variant (also known as c.5662G>A), located in coding exon 39 of the MYH11 gene, results from a G to A substitution at nucleotide position 5662. The glutamic acid at codon 1888 is replaced by lysine, an amino acid with similar properties. This amino acid position is conserved. In addition, this alteration is predicted to be deleterious by in silico analysis. Based on the available evidence, the clinical significance of this variant remains unclear.

NM_002474.3(MYH11):c.5662G>A (p.Glu1888Lys)

Genes: MYH11 (myosin heavy chain 11; minus strand), NDE1 (nudE neurodevelopment protein 1; plus strand). Cytogenetic location: 16p13.11.
Variant type: single nucleotide variant.
Coding change: c.5662G>A on transcript NM_002474.3 (MANE Select); coding-DNA position 5662, G replaced by A.
Protein change: p.Glu1888Lys; replaces glutamic acid 1888 with lysine.
Molecular consequence: missense variant. On other transcripts: intron variant (2).
Genome position (GRCh38, 1-based): chr16:15,715,033, C>T on the plus strand (G>A on the coding strand, the complement: MYH11 is on the minus strand). VCF-style: chr16-15715033-C-T. GRCh37 (hg19) VCF-style: chr16-15808890-C-T.
Other names: c.5683G>A, p.Glu1895Lys (NM_001040113.2, NM_001040114.2); c.5662G>A, p.Glu1888Lys (NM_022844.3); c.948-9158C>T (NM_001143979.2, NM_017668.3); short protein forms E1895K, E1888K.
Identifiers: ClinVar variation 5025091 (VCV005025091.1).
Genomic context (GRCh38, chr16:15,715,033, plus strand): 5'-CCAGCTCCCGCTGCAGCTTCCTGCGGTTGGCGTTGATGCGCTGGGACTCCTCCTCTGCCT[C>T]CTCCAGCTGCCTCTTGAGCTGCTTGACCCTGGCATTGCCTTTCTCTGCCTGTCGCGGAGA-3'
Protein context (NP_002465.1, residues 1878-1898): RVKQLKRQLE[Glu1888Lys]AEEESQRINA